The following is an entry in ClinVar:

NM_000059.4(BRCA2):c.1908A>G (p.Ser636=)

Gene: BRCA2 (BRCA2 DNA repair associated; plus strand). Cytogenetic location: 13q13.1.
Variant type: single nucleotide variant.
Coding change: c.1908A>G on transcript NM_000059.4 (MANE Select); coding-DNA position 1908, A replaced by G.
Protein change: p.Ser636=; no amino-acid change (serine 636 retained).
Molecular consequence: synonymous variant.
Genome position (GRCh38, 1-based): chr13:32,333,386, A>G. VCF-style: chr13-32333386-A-G. GRCh37 (hg19) VCF-style: chr13-32907523-A-G.
Identifiers: ClinVar variation 185052 (VCV000185052.16), dbSNP rs786201892, ClinGen allele CA013798.

ClinVar aggregate classification (germline): Conflicting classifications of pathogenicity. Review status: criteria provided, conflicting classifications (1 of 4 stars). 2 submissions from 2 submitters: Uncertain significance (1); Likely benign (1). Last evaluated 2023-08-30.

Conditions:
Hereditary cancer-predisposing syndrome. Also called: Hereditary neoplastic syndrome; Neoplastic Syndromes, Hereditary; Tumor predisposition; Hereditary Cancer Syndrome. Identifiers: Orphanet 140162, MedGen C0027672, MeSH D009386, MONDO:0015356.
Hereditary breast ovarian cancer syndrome. Also called: Hereditary breast and ovarian cancer syndrome (HBOC); Breast and ovarian cancer; Hereditary breast and/or ovarian cancer syndrome; BRCA1- and BRCA2-Associated Hereditary Breast and Ovarian Cancer; Hereditary breast and ovarian cancer syndrome; Hereditary breast and ovarian cancer. Identifiers: Orphanet 145, MedGen C0677776, MeSH D061325, MONDO:0003582. Disease mechanism: loss of function.

Allele frequency attached by ClinVar (database versions not stated): gnomAD exomes below 0.00001.
gnomAD v4.1: 1 of 1,607,902 alleles (0.000062%); highest among the groups gnomAD compares: South Asian, 0.0011%; no homozygotes.

Submissions (2):

Labcorp Genetics (formerly Invitae), Labcorp
Classification: Uncertain significance for Hereditary breast ovarian cancer syndrome. Last evaluated: 2023-08-30. Review status: criteria provided, single submitter. Criteria: Invitae Variant Classification Sherloc (09022015). Collection method: clinical testing. Allele origin: germline.
Comment: This variant has not been reported in the literature in individuals affected with BRCA2-related conditions. ClinVar contains an entry for this variant (Variation ID: 185052). Algorithms developed to predict the effect of sequence changes on RNA splicing suggest that this variant may disrupt the consensus splice site. In summary, the available evidence is currently insufficient to determine the role of this variant in disease. Therefore, it has been classified as a Variant of Uncertain Significance. This variant is not present in population databases (gnomAD no frequency). This sequence change affects codon 636 of the BRCA2 mRNA. It is a 'silent' change, meaning that it does not change the encoded amino acid sequence of the BRCA2 protein. It affects a nucleotide within the consensus splice site.

Ambry Genetics
Classification: Likely benign for Hereditary cancer-predisposing syndrome. Last evaluated: 2014-06-30. Review status: criteria provided, single submitter. Criteria: Ambry Variant Classification Scheme 2023. Collection method: clinical testing. Allele origin: germline.